The following is an entry in ClinVar:

NM_001267550.2(TTN):c.46611G>T (p.Gln15537His)

Genes: TTN-AS1 (TTN antisense RNA 1; plus strand), TTN (titin; minus strand). Cytogenetic location: 2q31.2.
Variant type: single nucleotide variant.
Coding change: c.46611G>T on transcript NM_001267550.2 (MANE Select); coding-DNA position 46611, G replaced by T.
Protein change: p.Gln15537His; replaces glutamine 15537 with histidine.
Molecular consequence: missense variant.
Genome position (GRCh38, 1-based): chr2:178,619,706, C>A on the plus strand (G>T on the coding strand, the complement: TTN is on the minus strand). VCF-style: chr2-178619706-C-A. GRCh37 (hg19) VCF-style: chr2-179484433-C-A.
Other names: c.38907G>T, p.Gln12969His (NM_133378.4); c.41688G>T, p.Gln13896His (NM_001256850.1); c.19416G>T, p.Gln6472His (NM_003319.4); c.19791G>T, p.Gln6597His (NM_133432.3); c.19992G>T, p.Gln6664His (NM_133437.4); short protein forms Q12969H, Q15537H, Q13896H, Q6472H, Q6597H, Q6664H.
Identifiers: ClinVar variation 166035 (VCV000166035.5), dbSNP rs727503625, ClinGen allele CA178840.
Genomic context (GRCh38, chr2:178,619,706, plus strand): 5'-TTCTTTGTCTTTGGCAATAAATCTGTATTCACCCTGGTCACGGGGCTTAATATCACAAAT[C>A]TGTAGTCGATGTATCTTTCCTTCACTCATCATCTGGTGTTTATCACCCTGGACAACAACC-3'
Protein context (NP_001254479.2, residues 15527-15547): MMSEGKIHRL[Gln15537His]ICDIKPRDQG

ClinVar aggregate classification (germline): Uncertain significance (1 of 4 stars; one submission).

Allele frequency attached by ClinVar (database versions not stated): TOPMed 0.00001.

Submission:

Laboratory for Molecular Medicine, Mass General Brigham Personalized Medicine
Classification: Uncertain significance. Last evaluated: 2014-11-17. Review status: criteria provided, single submitter. Criteria: LMM Criteria. Collection method: clinical testing. Allele origin: germline. Observed: 1 variant allele.
Comment: The p.Gln12969His variant in TTN has not been previously reported in individuals with cardiomyopathy or in large population studies. Computational prediction to ols and conservation analysis suggest that the p.Gln12969His variant may impact the protein, though this information is not predictive enough to determine patho genicity. In summary, the clinical significance of the p.Gln12969His variant is uncertain.